The following is an entry in ClinVar:

ClinVar aggregate classification (germline): Uncertain significance. Review status: criteria provided, multiple submitters, no conflicts (2 of 4 stars). 2 submissions from 2 submitters: Uncertain significance (2). Last evaluated 2024-12-02.

Conditions:
Inborn genetic diseases. Identifiers: MedGen C0950123, MeSH D030342.

Allele frequency attached by ClinVar (database versions not stated): gnomAD 0.00001; TOPMed 0.00005.
gnomAD v4.1: 38 of 1,612,946 alleles (0.0024%); highest among the groups gnomAD compares: Admixed American, 0.012%; no homozygotes.

Submissions (2):

Labcorp Genetics (formerly Invitae), Labcorp
Classification: Uncertain significance. Last evaluated: 2024-12-02. Review status: criteria provided, single submitter. Criteria: Invitae Variant Classification Sherloc (09022015). Collection method: clinical testing. Allele origin: germline.
Comment: This sequence change replaces arginine, which is basic and polar, with glutamine, which is neutral and polar, at codon 642 of the CFB protein (p.Arg642Gln). This variant is present in population databases (rs773667445, gnomAD 0.006%). This variant has not been reported in the literature in individuals affected with CFB-related conditions. ClinVar contains an entry for this variant (Variation ID: 2397649). Invitae Evidence Modeling of protein sequence and biophysical properties (such as structural, functional, and spatial information, amino acid conservation, physicochemical variation, residue mobility, and thermodynamic stability) indicates that this missense variant is not expected to disrupt CFB protein function with a negative predictive value of 80%. In summary, the available evidence is currently insufficient to determine the role of this variant in disease. Therefore, it has been classified as a Variant of Uncertain Significance.

Ambry Genetics
Classification: Uncertain significance for Inborn genetic diseases. Last evaluated: 2021-11-22. Review status: criteria provided, single submitter. Criteria: Ambry Variant Classification Scheme 2023. Collection method: clinical testing. Allele origin: germline.

NM_001710.6(CFB):c.1925G>A (p.Arg642Gln)

Gene: CFB (complement factor B; plus strand). Cytogenetic location: 6p21.33.
Variant type: single nucleotide variant.
Coding change: c.1925G>A on transcript NM_001710.6 (MANE Select); coding-DNA position 1925, G replaced by A.
Protein change: p.Arg642Gln; replaces arginine 642 with glutamine.
Molecular consequence: missense variant.
Genome position (GRCh38, 1-based): chr6:31,951,213, G>A. VCF-style: chr6-31951213-G-A. GRCh37 (hg19) VCF-style: chr6-31918990-G-A.
Other names: short protein forms R642Q.
Identifiers: ClinVar variation 2397649 (VCV002397649.5), dbSNP rs773667445, ClinGen allele CA3728493.